The following is an entry in ClinVar:

ClinVar aggregate classification (germline): Uncertain significance (1 of 4 stars; one submission).

gnomAD v4.1: 2 of 1,614,124 alleles (0.00012%); highest among the groups gnomAD compares: Non-Finnish European, 0.00017%; no homozygotes.

Submission:

Labcorp Genetics (formerly Invitae), Labcorp
Classification: Uncertain significance. Last evaluated: 2022-07-25. Review status: criteria provided, single submitter. Criteria: Invitae Variant Classification Sherloc (09022015). Collection method: clinical testing. Allele origin: germline.
Comment: ClinVar contains an entry for this variant (Variation ID: 1377901). In summary, the available evidence is currently insufficient to determine the role of this variant in disease. Therefore, it has been classified as a Variant of Uncertain Significance. Algorithms developed to predict the effect of missense changes on protein structure and function (SIFT, PolyPhen-2, Align-GVGD) all suggest that this variant is likely to be tolerated. This variant has not been reported in the literature in individuals affected with NAXD-related conditions. This variant is present in population databases (no rsID available, gnomAD 0.0009%). This sequence change replaces arginine, which is basic and polar, with glycine, which is neutral and non-polar, at codon 199 of the NAXD protein (p.Arg199Gly).

NM_001242882.2(NAXD):c.541C>G (p.Arg181Gly)

Gene: NAXD (NAD(P)HX dehydratase; plus strand). Cytogenetic location: 13q34.
Variant type: single nucleotide variant.
Coding change: c.541C>G on transcript NM_001242882.2 (MANE Select); coding-DNA position 541, C replaced by G.
Protein change: p.Arg181Gly; replaces arginine 181 with glycine.
Molecular consequence: missense variant. On other transcripts: non-coding transcript variant (2).
Genome position (GRCh38, 1-based): chr13:110,634,720, C>G. VCF-style: chr13-110634720-C-G. GRCh37 (hg19) VCF-style: chr13-111287067-C-G.
Other names: c.595C>G, p.Arg199Gly (NM_001242881.2, NM_018210.4); c.265C>G, p.Arg89Gly (NM_001242883.2); short protein forms R199G, R89G, R181G.
Identifiers: ClinVar variation 1377901 (VCV001377901.6), dbSNP rs61734918, ClinGen allele CA388733988.